The following is an entry in ClinVar:

ClinVar aggregate classification (germline): Likely benign (1 of 4 stars; one submission).

Submission:

GeneDx
Classification: Likely benign. Last evaluated: 2022-02-14. Review status: criteria provided, single submitter. Criteria: GeneDx Variant Classification Process June 2021. Collection method: clinical testing. Allele origin: germline. Affected: yes.
Comment: See Variant Classification Assertion Criteria.

NM_000718.4(CACNA1B):c.390+1_390+2insACGACACGGAGCCC

Genes: CACNA1B (calcium voltage-gated channel subunit alpha1 B; plus strand), CACNA1B-AS2 (CACNA1B antisense RNA 2; minus strand). Cytogenetic location: 9q34.3.
Variant type: Insertion.
Coding change: c.390+1_390+2insACGACACGGAGCCC on transcript NM_000718.4 (MANE Select); the canonical splice donor site of the intron after coding-DNA position 390, ACGACACGGAGCCC inserted.
Molecular consequence: splice donor variant.
Genome position: GRCh38 VCF-style: chr9-137879160-G-GACGACACGGAGCCC. GRCh37 (hg19) VCF-style: chr9-140773612-G-GACGACACGGAGCCC.
Other names: c.390+1_390+2insACGACACGGAGCCC (NM_001243812.2).
Identifiers: ClinVar variation 2501586 (VCV002501586.1), dbSNP rs370237172, ClinGen allele CA5375734.
Genomic context (GRCh38, chr9:137,879,160, plus strand): 5'-GTGCTGGCCCTGGAGCAGCACCTCCCTGATGGGGACAAAACGCCCATGTCCGAGCGGCTG[G>GACGACACGGAGCCC]TGAGTGCCCGGCTGGGCCTGAGGGCAGGGTGGTGGGGAGGCCGCGACTCCACTTTCCTTT-3'